The following is an entry in ClinVar:

ClinVar aggregate classification (germline): Conflicting classifications of pathogenicity. Review status: criteria provided, conflicting classifications (1 of 4 stars). 2 submissions from 2 submitters: Uncertain significance (1); Likely benign (1). Last evaluated 2025-11-09.

Conditions:
Cardiovascular phenotype. Identifiers: MedGen CN230736.
Long QT syndrome (LQTS). Identifiers: MedGen C0023976, MeSH D008133, MONDO:0002442. Disease mechanism: loss of function. Inheritance: Various modes of inheritance.

Allele frequency attached by ClinVar (database versions not stated): gnomAD 0.00001 and 0.00004; TOPMed 0.00002; gnomAD exomes 0.00003 and 0.00010; ExAC 0.00007.
gnomAD v4.1: 48 of 1,613,328 alleles (0.003%); highest among the groups gnomAD compares: South Asian, 0.035%; 1 homozygote.

Submissions (2):

Labcorp Genetics (formerly Invitae), Labcorp
Classification: Uncertain significance for Long QT syndrome. Last evaluated: 2025-11-09. Review status: criteria provided, single submitter. Criteria: Invitae Variant Classification Sherloc (09022015). Collection method: clinical testing. Allele origin: germline.
Comment: This sequence change replaces isoleucine, which is neutral and non-polar, with threonine, which is neutral and polar, at codon 3516 of the ANK2 protein (p.Ile3516Thr). This variant is present in population databases (rs765022083, gnomAD 0.06%), and has an allele count higher than expected for a pathogenic variant. This variant has not been reported in the literature in individuals affected with ANK2-related conditions. ClinVar contains an entry for this variant (Variation ID: 1020913). An algorithm developed to predict the effect of missense changes on protein structure and function outputs the following: PolyPhen-2: "Probably Damaging". The threonine amino acid residue is found in multiple mammalian species, which suggests that this missense change does not adversely affect protein function. In summary, the available evidence is currently insufficient to determine the role of this variant in disease. Therefore, it has been classified as a Variant of Uncertain Significance.

Ambry Genetics
Classification: Likely benign for Cardiovascular phenotype. Last evaluated: 2024-06-26. Review status: criteria provided, single submitter. Criteria: Ambry Variant Classification Scheme 2023. Collection method: clinical testing. Allele origin: germline.

NM_001148.6(ANK2):c.10547T>C (p.Ile3516Thr)

Gene: ANK2 (ankyrin 2; plus strand). Cytogenetic location: 4q26.
Variant type: single nucleotide variant.
Coding change: c.10547T>C on transcript NM_001148.6 (MANE Select); coding-DNA position 10547, T replaced by C.
Protein change: p.Ile3516Thr; replaces isoleucine 3516 with threonine.
Molecular consequence: missense variant. On other transcripts: intron variant (68).
Genome position (GRCh38, 1-based): chr4:113,359,165, T>C. VCF-style: chr4-113359165-T-C. GRCh37 (hg19) VCF-style: chr4-114280321-T-C.
Other names: c.10547T>C (NM_001148.4); c.10313T>C, p.Ile3438Thr (NM_001386142.1); c.6947T>C, p.Ile2316Thr (NM_001386166.1); c.10688T>C, p.Ile3563Thr (NM_001386174.1); c.10664T>C, p.Ile3555Thr (NM_001386175.1); c.4412-1658T>C (NM_001386186.2, NM_001386148.2); c.4214-1658T>C (NM_001354269.3); c.4292-1658T>C (NM_001386187.2); and 36 more; short protein forms I2316T, I3438T, I3516T, I3555T, I3563T.
Identifiers: ClinVar variation 1020913 (VCV001020913.6), dbSNP rs765022083, ClinGen allele CA3052083.